The following is an entry in ClinVar:

NM_020232.5(PSMG2):c.163A>C (p.Met55Leu)

Gene: PSMG2 (proteasome assembly chaperone 2; plus strand). Cytogenetic location: 18p11.21.
Variant type: single nucleotide variant.
Coding change: c.163A>C on transcript NM_020232.5 (MANE Select); coding-DNA position 163, A replaced by C.
Protein change: p.Met55Leu; replaces methionine 55 with leucine.
Molecular consequence: missense variant.
Genome position (GRCh38, 1-based): chr18:12,706,655, A>C. VCF-style: chr18-12706655-A-C. GRCh37 (hg19) VCF-style: chr18-12706654-A-C.
Other names: p.Met55Leu; c.70A>C, p.Met24Leu (NM_147163.2); short protein forms M24L, M55L.
Identifiers: ClinVar variation 1582809 (VCV001582809.9), dbSNP rs116940091, ClinGen allele CA8898304.

ClinVar aggregate classification (germline): Conflicting classifications of pathogenicity. Review status: criteria provided, conflicting classifications (1 of 4 stars). 2 submissions from 2 submitters: Uncertain significance (1); Likely benign (1). Last evaluated 2025-12-09.

Allele frequency attached by ClinVar (database versions not stated): 1000 Genomes Project 30x 0.00062; 1000 Genomes Project 0.00080.
gnomAD v4.1: 161 of 1,613,958 alleles (0.01%); highest among the groups gnomAD compares: East Asian, 0.27%; 1 homozygote.

Submissions (2):

Labcorp Genetics (formerly Invitae), Labcorp
Classification: Likely benign. Last evaluated: 2025-12-09. Review status: criteria provided, single submitter. Criteria: Invitae Variant Classification Sherloc (09022015). Collection method: clinical testing. Allele origin: germline.

Mayo Clinic Laboratories, Mayo Clinic
Classification: Uncertain significance. Last evaluated: 2025-06-21. Review status: criteria provided, single submitter. Criteria: ACMG Guidelines, 2015. Collection method: clinical testing. Allele origin: germline. Observed: 1 variant allele.
Comment: BP4_moderate